The following is an entry in ClinVar:

ClinVar aggregate classification (germline): Uncertain significance (1 of 4 stars; one submission).

Allele frequency attached by ClinVar (database versions not stated): gnomAD exomes below 0.00001.
gnomAD v4.1: 1 of 1,542,902 alleles (0.000065%); highest among the groups gnomAD compares: Admixed American, 0.002%; no homozygotes.

Submission:

Labcorp Genetics (formerly Invitae), Labcorp
Classification: Uncertain significance. Last evaluated: 2023-05-25. Review status: criteria provided, single submitter. Criteria: Invitae Variant Classification Sherloc (09022015). Collection method: clinical testing. Allele origin: germline.
Comment: In summary, the available evidence is currently insufficient to determine the role of this variant in disease. Therefore, it has been classified as a Variant of Uncertain Significance. This sequence change replaces glutamic acid, which is acidic and polar, with aspartic acid, which is acidic and polar, at codon 235 of the ZSWIM6 protein (p.Glu235Asp). This variant is not present in population databases (gnomAD no frequency). This variant has not been reported in the literature in individuals affected with ZSWIM6-related conditions. Advanced modeling of protein sequence and biophysical properties (such as structural, functional, and spatial information, amino acid conservation, physicochemical variation, residue mobility, and thermodynamic stability) performed at Invitae indicates that this missense variant is not expected to disrupt ZSWIM6 protein function.

NM_020928.2(ZSWIM6):c.705A>T (p.Glu235Asp)

Gene: ZSWIM6 (zinc finger SWIM-type containing 6; plus strand). Cytogenetic location: 5q12.1.
Variant type: single nucleotide variant.
Coding change: c.705A>T on transcript NM_020928.2 (MANE Select); coding-DNA position 705, A replaced by T.
Protein change: p.Glu235Asp; replaces glutamic acid 235 with aspartic acid.
Molecular consequence: missense variant.
Genome position (GRCh38, 1-based): chr5:61,472,709, A>T. VCF-style: chr5-61472709-A-T. GRCh37 (hg19) VCF-style: chr5-60768536-A-T.
Other names: short protein forms E235D.
Identifiers: ClinVar variation 2995602 (VCV002995602.3), dbSNP rs1747602562, ClinGen allele CA359941286.